The following is an entry in ClinVar:

NM_000823.4(GHRHR):c.788G>T (p.Cys263Phe)

Gene: GHRHR (growth hormone releasing hormone receptor; plus strand). Cytogenetic location: 7p14.3.
Variant type: single nucleotide variant.
Coding change: c.788G>T on transcript NM_000823.4 (MANE Select); coding-DNA position 788, G replaced by T.
Protein change: p.Cys263Phe; replaces cysteine 263 with phenylalanine.
Molecular consequence: missense variant.
Genome position (GRCh38, 1-based): chr7:30,974,465, G>T. VCF-style: chr7-30974465-G-T. GRCh37 (hg19) VCF-style: chr7-31014080-G-T.
Other names: short protein forms C263F.
Identifiers: ClinVar variation 1926860 (VCV001926860.3), dbSNP rs767254698, ClinGen allele CA4208650.

ClinVar aggregate classification (germline): Uncertain significance (1 of 4 stars; one submission).

Allele frequency attached by ClinVar (database versions not stated): ExAC 0.00002; TOPMed 0.00002; gnomAD 0.00003.
gnomAD v4.1: 95 of 1,612,796 alleles (0.0059%); highest among the groups gnomAD compares: Non-Finnish European, 0.0081%; no homozygotes.

Submission:

Labcorp Genetics (formerly Invitae), Labcorp
Classification: Uncertain significance. Last evaluated: 2022-07-26. Review status: criteria provided, single submitter. Criteria: Invitae Variant Classification Sherloc (09022015). Collection method: clinical testing. Allele origin: germline.
Comment: This sequence change replaces cysteine, which is neutral and slightly polar, with phenylalanine, which is neutral and non-polar, at codon 263 of the GHRHR protein (p.Cys263Phe). This variant is present in population databases (rs767254698, gnomAD 0.005%). This variant has not been reported in the literature in individuals affected with GHRHR-related conditions. Algorithms developed to predict the effect of missense changes on protein structure and function are either unavailable or do not agree on the potential impact of this missense change (SIFT: "Deleterious"; PolyPhen-2: "Benign"; Align-GVGD: "Class C65"). In summary, the available evidence is currently insufficient to determine the role of this variant in disease. Therefore, it has been classified as a Variant of Uncertain Significance.